The following is an entry in ClinVar:

ClinVar aggregate classification (germline): Likely pathogenic (1 of 4 stars; one submission).

Conditions:
Neuropathy, hereditary sensory, type 2C. Also called: Hereditary sensory and autonomic neuropathy type IIC; KIF1A-Related HSAN2 (HSAN2C). Identifiers: Orphanet 970, MedGen C3280168, MONDO:0013634, OMIM 614213.
Hereditary spastic paraplegia 30. Identifiers: Orphanet 101010, MedGen C5235139, MONDO:0012476.
Intellectual disability, autosomal dominant 9 (NESCAVS). Also called: NESCAV SYNDROME; KIF1A-Related Neurodevelopmental Disorder. Identifiers: Orphanet 662367, MedGen C5393830, MONDO:0013656, OMIM 614255.

Submission:

Labcorp Genetics (formerly Invitae), Labcorp
Classification: Likely pathogenic for Hereditary spastic paraplegia 30; Neuropathy, hereditary sensory, type 2C; Intellectual disability, autosomal dominant 9. Last evaluated: 2024-03-07. Review status: criteria provided, single submitter. Criteria: Invitae Variant Classification Sherloc (09022015). Collection method: clinical testing. Allele origin: germline.
Comment: This sequence change affects an acceptor splice site in intron 12 of the KIF1A gene. It is expected to disrupt RNA splicing. Variants that disrupt the donor or acceptor splice site typically lead to a loss of protein function (PMID: 16199547), and loss-of-function variants in KIF1A are known to be pathogenic (PMID: 21820098). This variant is not present in population databases (gnomAD no frequency). This variant has not been reported in the literature in individuals affected with KIF1A-related conditions. Algorithms developed to predict the effect of sequence changes on RNA splicing suggest that this variant may disrupt the consensus splice site. In summary, the currently available evidence indicates that the variant is pathogenic, but additional data are needed to prove that conclusively. Therefore, this variant has been classified as Likely Pathogenic.

Literature cited by the submitters: PubMed 16199547; PubMed 21820098.

NM_001244008.2(KIF1A):c.1208-2A>C

Gene: KIF1A (kinesin family member 1A; minus strand). Cytogenetic location: 2q37.3.
Variant type: single nucleotide variant.
Coding change: c.1208-2A>C on transcript NM_001244008.2 (MANE Select); the canonical splice acceptor site of the intron before coding-DNA position 1208, A replaced by C.
Molecular consequence: splice acceptor variant. On other transcripts: synonymous variant (7).
Genome position (GRCh38, 1-based): chr2:240,771,106, T>G on the plus strand (A>C on the coding strand, the complement: KIF1A is on the minus strand). VCF-style: chr2-240771106-T-G. GRCh37 (hg19) VCF-style: chr2-241710523-T-G.
Other names: c.1281A>C, p.Thr427= (NM_001330290.2, NM_001379631.1, NM_001379634.1 and 2 more transcripts); c.1254A>C, p.Thr418= (NM_001379637.1, NM_001379648.1); c.1181-2A>C (NM_001379653.1, NM_001379650.1, NM_001379645.1 and 10 more transcripts); c.1208-2A>C (NM_001320705.2, NM_001379638.1, NM_001330289.2).
Identifiers: ClinVar variation 2924424 (VCV002924424.3), dbSNP rs2537867758, ClinGen allele CA351330677.
Genomic context (GRCh38, chr2:240,771,106, plus strand): 5'-GCGGCTGGACAGGGCTGAGAGCGAGGATGAGGGGCTCATACCCACCAGGGCATTGGTCAC[T>G]GTGGAGAGAGGGTCAGGGGCTTCATTCACCGTCCCGCCACGGTTAAGGTTATTGTTCTCA-3'